The following is an entry in ClinVar:

NM_177438.3(DICER1):c.-1A>C

Gene: DICER1 (dicer 1, ribonuclease III; minus strand). Cytogenetic location: 14q32.13.
Variant type: single nucleotide variant.
Coding change: c.-1A>C on transcript NM_177438.3 (MANE Select); 1 bases upstream of the start codon, A replaced by C.
Molecular consequence: 5 prime UTR variant. On other transcripts: non-coding transcript variant (6), intron variant (1).
Genome position (GRCh38, 1-based): chr14:95,133,459, T>G on the plus strand (A>C on the coding strand, the complement: DICER1 is on the minus strand). VCF-style: chr14-95133459-T-G. GRCh37 (hg19) VCF-style: chr14-95599796-T-G.
Other names: c.-1A>C (NM_001195573.1, NM_001271282.3, NM_001291628.2 and 15 more transcripts); c.-275A>C (NM_001395686.1, NM_001395688.1, NM_001395689.1 and 3 more transcripts); c.-459A>C (NM_001395691.1); c.-1569A>C (NM_001395697.1); c.-130-782A>C (NM_001395687.1).
Identifiers: ClinVar variation 1784168 (VCV001784168.2), dbSNP rs2543389872, ClinGen allele CA2580089106.

ClinVar aggregate classification (germline): Uncertain significance (1 of 4 stars; one submission).

Conditions:
Hereditary cancer-predisposing syndrome. Also called: Neoplastic Syndromes, Hereditary; Tumor predisposition; Hereditary Cancer Syndrome; Hereditary neoplastic syndrome. Identifiers: Orphanet 140162, MedGen C0027672, MeSH D009386, MONDO:0015356.

Submission:

Ambry Genetics
Classification: Uncertain significance for Hereditary cancer-predisposing syndrome. Last evaluated: 2020-03-05. Review status: criteria provided, single submitter. Criteria: Ambry Variant Classification Scheme 2023. Collection method: clinical testing. Allele origin: germline.
Comment: The c.-1A>C variant is located in the 5' untranslated region (5&rsquo; UTR) of the DICER1 gene. This variant results from an A to C substitution 1 bases upstream from the first translated codon. This nucleotide position is well conserved in available vertebrate species. Since supporting evidence is limited at this time, the clinical significance of this alteration remains unclear.